The following is an entry in ClinVar:

ClinVar aggregate classification (germline): Uncertain significance (1 of 4 stars; one submission).

Conditions:
Joubert syndrome 15 (JBTS15). Identifiers: Orphanet 475, MedGen C3280897, MONDO:0013763, OMIM 614464.

Allele frequency attached by ClinVar (database versions not stated): gnomAD exomes 0.00001 and 0.00002.

Submission:

Labcorp Genetics (formerly Invitae), Labcorp
Classification: Uncertain significance for Joubert syndrome 15. Last evaluated: 2021-09-01. Review status: criteria provided, single submitter. Criteria: Invitae Variant Classification Sherloc (09022015). Collection method: clinical testing. Allele origin: germline.
Comment: This sequence change replaces alanine with threonine at codon 354 of the CEP41 protein (p.Ala354Thr). The alanine residue is weakly conserved and there is a small physicochemical difference between alanine and threonine. The frequency data for this variant in the population databases is considered unreliable, as metrics indicate poor data quality at this position in the ExAC database. This variant has not been reported in the literature in individuals affected with CEP41-related conditions. Algorithms developed to predict the effect of missense changes on protein structure and function output the following: SIFT: "Tolerated"; PolyPhen-2: "Benign"; Align-GVGD: "Class C0". The threonine amino acid residue is found in multiple mammalian species, which suggests that this missense change does not adversely affect protein function. In summary, the available evidence is currently insufficient to determine the role of this variant in disease. Therefore, it has been classified as a Variant of Uncertain Significance.

NM_018718.3(CEP41):c.1060G>A (p.Ala354Thr)

Gene: CEP41 (centrosomal protein 41; minus strand). Cytogenetic location: 7q32.2.
Variant type: single nucleotide variant.
Coding change: c.1060G>A on transcript NM_018718.3 (MANE Select); coding-DNA position 1060, G replaced by A.
Protein change: p.Ala354Thr; replaces alanine 354 with threonine.
Molecular consequence: missense variant. On other transcripts: non-coding transcript variant (1).
Genome position (GRCh38, 1-based): chr7:130,398,953, C>T on the plus strand (G>A on the coding strand, the complement: CEP41 is on the minus strand). VCF-style: chr7-130398953-C-T. GRCh37 (hg19) VCF-style: chr7-130038794-C-T.
Other names: c.844G>A, p.Ala282Thr (NM_001257158.2); c.796G>A, p.Ala266Thr (NM_001257159.2); short protein forms A266T, A282T, A354T.
Identifiers: ClinVar variation 1017542 (VCV001017542.6), dbSNP rs201490201, ClinGen allele CA4485393.